The following is an entry in ClinVar:

NM_018230.3(NUP133):c.2124G>A (p.Glu708=)

Gene: NUP133 (nucleoporin 133; minus strand). Cytogenetic location: 1q42.13.
Variant type: single nucleotide variant.
Coding change: c.2124G>A on transcript NM_018230.3 (MANE Select); coding-DNA position 2124, G replaced by A.
Protein change: p.Glu708=; no amino-acid change (glutamic acid 708 retained).
Molecular consequence: synonymous variant.
Genome position (GRCh38, 1-based): chr1:229,466,709, C>T on the plus strand (G>A on the coding strand, the complement: NUP133 is on the minus strand). VCF-style: chr1-229466709-C-T. GRCh37 (hg19) VCF-style: chr1-229602456-C-T.
Other names: c.2124G>A (NM_018230.2).
Identifiers: ClinVar variation 1579887 (VCV001579887.17), dbSNP rs114032980, ClinGen allele CA1443369.
Genomic context (GRCh38, chr1:229,466,709, plus strand): 5'-CACATTGATCACCACTTCAGCCCATTCAATGGAATCCATAGGTGCATCCCTCAAGACTTG[C>T]TCCTCATGCTCCAGTAAGCACTCACAGATGGTATCTACTTGGGATACCTGAGAGAATACA-3'
Protein context (NP_060700.2, residues 698-718): TICECLLEHE[Glu708=]QVLRDAPMDS

ClinVar aggregate classification (germline): Benign/Likely benign. Review status: criteria provided, multiple submitters, no conflicts (2 of 4 stars). 4 submissions from 4 submitters: Benign (2); Likely benign (1). 1 of the submissions does not count toward it. Last evaluated 2025-12-20.

Conditions:
NUP133-related disorder. Also called: NUP133-related condition.

Allele frequency attached by ClinVar (database versions not stated): gnomAD exomes 0.00009; 1000 Genomes Project 0.00060; 1000 Genomes Project 30x 0.00062; gnomAD 0.00089 and 0.00092; ESP Exome Variant Server 0.00092; TOPMed 0.00098.
gnomAD v4.1: 268 of 1,613,942 alleles (0.017%); highest among the groups gnomAD compares: African/African-American, 0.3%; no homozygotes.

Submissions (4):

Labcorp Genetics (formerly Invitae), Labcorp
Classification: Benign. Last evaluated: 2025-12-20. Review status: criteria provided, single submitter. Criteria: Invitae Variant Classification Sherloc (09022015). Collection method: clinical testing. Allele origin: germline.

CeGaT Center for Human Genetics Tuebingen
Classification: Likely benign. Last evaluated: 2025-10-01. Review status: criteria provided, single submitter. Criteria: CeGaT Center For Human Genetics Tuebingen Variant Classification Criteria Version 2. Collection method: clinical testing. Allele origin: germline. Affected: yes. Observed: 1 variant allele.
Comment: NUP133: BP4, BP7

Breakthrough Genomics
Classification: Benign. Review status: criteria provided, single submitter. Criteria: ACMG Guidelines, 2015. Collection method: not provided. Allele origin: germline. Inheritance: Autosomal recessive inheritance. Affected: yes.

PreventionGenetics, part of Exact Sciences
Classification: Likely benign for NUP133-related condition. Last evaluated: 2023-11-08. Review status: no assertion criteria provided. Collection method: clinical testing. Allele origin: germline. Not counted in ClinVar's aggregate classification.
Comment: This variant is classified as likely benign based on ACMG/AMP sequence variant interpretation guidelines (Richards et al. 2015 PMID: 25741868, with internal and published modifications).